The following is an entry in ClinVar:

ClinVar aggregate classification (germline): Pathogenic/Likely pathogenic. Review status: criteria provided, multiple submitters, no conflicts (2 of 4 stars). 5 submissions from 5 submitters: Pathogenic (1); Likely pathogenic (4). Last evaluated 2025-05-08.

Conditions:
ATP6V1B1-related disorder. Also called: ATP6V1B1-related condition.
Renal tubular acidosis with progressive nerve deafness. Also called: renal tubular acidosis, distal, 2, with progressive sensorineural hearing loss; RENAL TUBULAR ACIDOSIS, AUTOSOMAL RECESSIVE, WITH PROGRESSIVE NERVE DEAFNESS; RTA WITH PROGRESSIVE NERVE DEAFNESS; Distal Renal Tubular Acidosis with Progressive Sensorineural Deafness. Identifiers: MedGen C0403554, MONDO:0009968, OMIM 267300.

Allele frequency attached by ClinVar (database versions not stated): TOPMed 0.00001.

Submissions (5):

3billion
Classification: Pathogenic for Renal tubular acidosis with progressive nerve deafness. Last evaluated: 2025-05-08. Review status: criteria provided, single submitter. Criteria: ACMG Guidelines, 2015. Collection method: clinical testing. Allele origin: germline. Affected: yes.
Comment: The variant is not observed in the gnomAD v4.1.0 dataset. Predicted Consequence/Location: Canonical splice site: predicted to alter splicing and result in a loss or disruption of normal protein function. Multiple pathogenic loss-of-function variants are reported downstream of the variant. The variant has been reported at least twice as pathogenic without evidence for the classification (ClinVar ID: VCV001499499). Therefore, this variant is classified as Pathogenic according to the recommendation of ACMG/AMP guideline.

Natera, Inc.
Classification: Likely pathogenic for Renal tubular acidosis with progressive nerve deafness. Last evaluated: 2025-01-27. Review status: criteria provided, single submitter. Criteria: Natera Variant Classification Schema (03/2026). Collection method: clinical testing. Allele origin: germline.
Comment: The c.273+2T>A variant in ATP6V1B1 is a canonical splice donor site variant predicted to affect pre-mRNA splicing, which may result in an abnormal transcript and altered protein product. This variant is expected to result in nonsense mediated decay, truncation, or a dysfunctional protein product. This variant is rare in the general population with a frequency below the threshold expected for the associated phenotype(s). Given the available evidence, this variant is classified as Likely Pathogenic.

PreventionGenetics, part of Exact Sciences
Classification: Likely pathogenic for ATP6V1B1-related condition. Last evaluated: 2023-06-04. Review status: criteria provided, single submitter. Criteria: ACMG Guidelines, 2015. Collection method: clinical testing. Allele origin: germline.
Comment: The ATP6V1B1 c.273+2T>A variant is predicted to disrupt the GT donor site and interfere with normal splicing. To our knowledge, this variant has not been reported in the literature or in a large population database, indicating this variant is rare. Variants that disrupt the consensus splice donor site in ATP6V1B1 are expected to be pathogenic. This variant is interpreted as likely pathogenic.

Fulgent Genetics
Classification: Likely pathogenic for Renal tubular acidosis with progressive nerve deafness. Last evaluated: 2022-01-05. Review status: criteria provided, single submitter. Criteria: ACMG Guidelines, 2015. Collection method: clinical testing. Allele origin: unknown.

Labcorp Genetics (formerly Invitae), Labcorp
Classification: Likely pathogenic. Last evaluated: 2021-08-07. Review status: criteria provided, single submitter. Criteria: Invitae Variant Classification Sherloc (09022015). Collection method: clinical testing. Allele origin: germline.
Comment: This variant is not present in population databases (ExAC no frequency). In summary, the currently available evidence indicates that the variant is pathogenic, but additional data are needed to prove that conclusively. Therefore, this variant has been classified as Likely Pathogenic. Algorithms developed to predict the effect of sequence changes on RNA splicing suggest that this variant may disrupt the consensus splice site. This variant has not been reported in the literature in individuals affected with ATP6V1B1-related conditions. This sequence change affects a donor splice site in intron 3 of the ATP6V1B1 gene. It is expected to disrupt RNA splicing. Variants that disrupt the donor or acceptor splice site typically lead to a loss of protein function (PMID: 16199547), and loss-of-function variants in ATP6V1B1 are known to be pathogenic (PMID: 9916796, 18368028).

Literature cited by the submitters: PubMed 16199547 (cited by Labcorp Genetics (formerly Invitae), Labcorp); PubMed 9916796 (cited by Labcorp Genetics (formerly Invitae), Labcorp); PubMed 18368028 (cited by Labcorp Genetics (formerly Invitae), Labcorp).

NM_001692.4(ATP6V1B1):c.273+2T>A

Gene: ATP6V1B1 (ATPase H+ transporting V1 subunit B1; plus strand). Cytogenetic location: 2p13.3.
Variant type: single nucleotide variant.
Coding change: c.273+2T>A on transcript NM_001692.4 (MANE Select); the canonical splice donor site of the intron after coding-DNA position 273, T replaced by A.
Molecular consequence: splice donor variant.
Genome position (GRCh38, 1-based): chr2:70,958,146, T>A. VCF-style: chr2-70958146-T-A. GRCh37 (hg19) VCF-style: chr2-71185276-T-A.
Other names: c.273+2T>A (NM_001692.3).
Identifiers: ClinVar variation 1499499 (VCV001499499.11), dbSNP rs1680488861, ClinGen allele CA347180903.